The following is an entry in ClinVar:

ClinVar aggregate classification (germline): Uncertain significance (1 of 4 stars; one submission).

Conditions:
Hypertrophic cardiomyopathy. Also called: HYPERTROPHIC MYOCARDIOPATHY. Identifiers: Orphanet 217569, MedGen C0007194, MeSH D002312, MONDO:0005045, HP:0001639.

Submission:

Labcorp Genetics (formerly Invitae), Labcorp
Classification: Uncertain significance for Hypertrophic cardiomyopathy. Last evaluated: 2022-03-26. Review status: criteria provided, single submitter. Criteria: Invitae Variant Classification Sherloc (09022015). Collection method: clinical testing. Allele origin: germline.
Comment: In summary, the available evidence is currently insufficient to determine the role of this variant in disease. Therefore, it has been classified as a Variant of Uncertain Significance. This variant is found within a region of MYH7 between codons 181 and 937 that contains the majority of the myosin head domain. Missense variants in this region have been shown to be significantly overrepresented in individuals with hypertrophic cardiomyopathy (PMID: 27532257). Algorithms developed to predict the effect of missense changes on protein structure and function are either unavailable or do not agree on the potential impact of this missense change (SIFT: "Deleterious"; PolyPhen-2: "Benign"; Align-GVGD: "Class C65"). This variant has not been reported in the literature in individuals affected with MYH7-related conditions. This variant is not present in population databases (gnomAD no frequency). This sequence change replaces histidine, which is basic and polar, with tyrosine, which is neutral and polar, at codon 491 of the MYH7 protein (p.His491Tyr).

Literature cited by the submitters: PubMed 27532257.

NM_000257.4(MYH7):c.1471C>T (p.His491Tyr)

Gene: MYH7 (myosin heavy chain 7; minus strand). Cytogenetic location: 14q11.2.
Variant type: single nucleotide variant.
Coding change: c.1471C>T on transcript NM_000257.4 (MANE Select); coding-DNA position 1471, C replaced by T.
Protein change: p.His491Tyr; replaces histidine 491 with tyrosine.
Molecular consequence: missense variant.
Genome position (GRCh38, 1-based): chr14:23,428,607, G>A on the plus strand (C>T on the coding strand, the complement: MYH7 is on the minus strand). VCF-style: chr14-23428607-G-A. GRCh37 (hg19) VCF-style: chr14-23897816-G-A.
Other names: c.1471C>T, p.His491Tyr (NM_001407004.1); short protein forms H491Y.
Identifiers: ClinVar variation 1921004 (VCV001921004.5), dbSNP rs2502300247, ClinGen allele CA389050525.